The following is an entry in ClinVar:

ClinVar aggregate classification (germline): Uncertain significance (1 of 4 stars; one submission).

Submission:

Labcorp Genetics (formerly Invitae), Labcorp
Classification: Uncertain significance. Last evaluated: 2021-03-25. Review status: criteria provided, single submitter. Criteria: Invitae Variant Classification Sherloc (09022015). Collection method: clinical testing. Allele origin: germline.
Comment: This sequence change replaces valine with methionine at codon 83 of the ATP6V1B1 protein (p.Val83Met). The valine residue is moderately conserved and there is a small physicochemical difference between valine and methionine. This variant is not present in population databases (ExAC no frequency). This variant has not been reported in the literature in individuals with ATP6V1B1-related conditions. Algorithms developed to predict the effect of missense changes on protein structure and function are either unavailable or do not agree on the potential impact of this missense change (SIFT: "Deleterious"; PolyPhen-2: "Probably Damaging"; Align-GVGD: "Class C0"). In summary, the available evidence is currently insufficient to determine the role of this variant in disease. Therefore, it has been classified as a Variant of Uncertain Significance.

NM_001692.4(ATP6V1B1):c.247G>A (p.Val83Met)

Gene: ATP6V1B1 (ATPase H+ transporting V1 subunit B1; plus strand). Cytogenetic location: 2p13.3.
Variant type: single nucleotide variant.
Coding change: c.247G>A on transcript NM_001692.4 (MANE Select); coding-DNA position 247, G replaced by A.
Protein change: p.Val83Met; replaces valine 83 with methionine.
Molecular consequence: missense variant.
Genome position (GRCh38, 1-based): chr2:70,958,118, G>A. VCF-style: chr2-70958118-G-A. GRCh37 (hg19) VCF-style: chr2-71185248-G-A.
Other names: short protein forms V83M.
Identifiers: ClinVar variation 1495911 (VCV001495911.8), dbSNP rs2104825194, ClinGen allele CA347180756.